The following is an entry in ClinVar:

ClinVar aggregate classification (germline): Uncertain significance (1 of 4 stars; one submission).

Submission:

Labcorp Genetics (formerly Invitae), Labcorp
Classification: Uncertain significance. Last evaluated: 2022-07-12. Review status: criteria provided, single submitter. Criteria: Invitae Variant Classification Sherloc (09022015). Collection method: clinical testing. Allele origin: germline.
Comment: In summary, the available evidence is currently insufficient to determine the role of this variant in disease. Therefore, it has been classified as a Variant of Uncertain Significance. Algorithms developed to predict the effect of missense changes on protein structure and function are either unavailable or do not agree on the potential impact of this missense change (SIFT: "Deleterious"; PolyPhen-2: "Possibly Damaging"; Align-GVGD: "Class C0"). ClinVar contains an entry for this variant (Variation ID: 1482908). This variant has not been reported in the literature in individuals affected with ARHGEF1-related conditions. This variant is not present in population databases (gnomAD no frequency). This sequence change replaces valine, which is neutral and non-polar, with leucine, which is neutral and non-polar, at codon 756 of the ARHGEF1 protein (p.Val756Leu).

NM_004706.4(ARHGEF1):c.2221G>C (p.Val741Leu)

Gene: ARHGEF1 (Rho guanine nucleotide exchange factor 1; plus strand). Cytogenetic location: 19q13.2.
Variant type: single nucleotide variant.
Coding change: c.2221G>C on transcript NM_004706.4 (MANE Select); coding-DNA position 2221, G replaced by C.
Protein change: p.Val741Leu; replaces valine 741 with leucine.
Molecular consequence: missense variant.
Genome position (GRCh38, 1-based): chr19:41,905,008, G>C. VCF-style: chr19-41905008-G-C. GRCh37 (hg19) VCF-style: chr19-42409160-G-C.
Other names: c.2122G>C, p.Val708Leu (NM_198977.2); c.2266G>C, p.Val756Leu (NM_199002.2); short protein forms V756L, V708L, V741L.
Identifiers: ClinVar variation 1482908 (VCV001482908.8), dbSNP rs2145862532, ClinGen allele CA406065276.